The following is an entry in ClinVar:

ClinVar aggregate classification (germline): Uncertain significance (1 of 4 stars; one submission).

Conditions:
Hereditary cancer-predisposing syndrome. Also called: Hereditary Cancer Syndrome; Hereditary neoplastic syndrome; Neoplastic Syndromes, Hereditary; Tumor predisposition. Identifiers: Orphanet 140162, MedGen C0027672, MeSH D009386, MONDO:0015356.

Submission:

Ambry Genetics
Classification: Uncertain significance for Hereditary cancer-predisposing syndrome. Last evaluated: 2020-06-08. Review status: criteria provided, single submitter. Criteria: Ambry Variant Classification Scheme 2023. Collection method: clinical testing. Allele origin: germline.
Comment: The p.R469S variant (also known as c.1407G>T), located in coding exon 9 of the ATM gene, results from a G to T substitution at nucleotide position 1407. The arginine at codon 469 is replaced by serine, an amino acid with dissimilar properties. This amino acid position is poorly conserved in available vertebrate species. In addition, this alteration is predicted to be tolerated by in silico analysis. Since supporting evidence is limited at this time, the clinical significance of this alteration remains unclear.

NM_000051.4(ATM):c.1407G>T (p.Arg469Ser)

Gene: ATM (ATM serine/threonine kinase; plus strand). Cytogenetic location: 11q22.3.
Variant type: single nucleotide variant.
Coding change: c.1407G>T on transcript NM_000051.4 (MANE Select); coding-DNA position 1407, G replaced by T.
Protein change: p.Arg469Ser; replaces arginine 469 with serine.
Molecular consequence: missense variant.
Genome position (GRCh38, 1-based): chr11:108,250,872, G>T. VCF-style: chr11-108250872-G-T. GRCh37 (hg19) VCF-style: chr11-108121599-G-T.
Other names: c.1407G>T, p.Arg469Ser (NM_001351834.2); short protein forms R469S.
Identifiers: ClinVar variation 1771931 (VCV001771931.2), dbSNP rs1555070912, ClinGen allele CA382533955.
Genomic context (GRCh38, chr11:108,250,872, plus strand): 5'-GGAACGTACACCATATGTGTTACGATGCCTTACGGAAGTTGCATTGTGTCAAGACAAGAG[G>T]TCAAACCTAGAAAGCTCACAAAAGTCAGATTTATTAAAACTCTGGAATAAAATTTGGTGT-3'
Protein context (NP_000042.3, residues 459-479): LTEVALCQDK[Arg469Ser]SNLESSQKSD